The following is an entry in ClinVar:

ClinVar aggregate classification (germline): Uncertain significance (1 of 4 stars; one submission).

Conditions:
Hereditary cancer-predisposing syndrome. Also called: Neoplastic Syndromes, Hereditary; Tumor predisposition; Hereditary Cancer Syndrome; Hereditary neoplastic syndrome. Identifiers: Orphanet 140162, MedGen C0027672, MeSH D009386, MONDO:0015356.

Submission:

Ambry Genetics
Classification: Uncertain significance for Hereditary cancer-predisposing syndrome. Last evaluated: 2026-04-29. Review status: criteria provided, single submitter. Criteria: Ambry Variant Classification Scheme 2023. Collection method: clinical testing. Allele origin: germline.
Comment: The p.G396V variant (also known as c.1187G>T), located in coding exon 8 of the MEN1 gene, results from a G to T substitution at nucleotide position 1187. The glycine at codon 396 is replaced by valine, an amino acid with dissimilar properties. This amino acid position is well conserved in available vertebrate species. In addition, the in silico prediction for this alteration is inconclusive. Based on the available evidence, the clinical significance of this variant remains unclear.

NM_001370259.2(MEN1):c.1187G>T (p.Gly396Val)

Gene: MEN1 (menin 1; minus strand). Cytogenetic location: 11q13.1.
Variant type: single nucleotide variant.
Coding change: c.1187G>T on transcript NM_001370259.2 (MANE Select); coding-DNA position 1187, G replaced by T.
Protein change: p.Gly396Val; replaces glycine 396 with valine.
Molecular consequence: missense variant. On other transcripts: non-coding transcript variant (4), intron variant (1).
Genome position (GRCh38, 1-based): chr11:64,805,197, C>A on the plus strand (G>T on the coding strand, the complement: MEN1 is on the minus strand). VCF-style: chr11-64805197-C-A. GRCh37 (hg19) VCF-style: chr11-64572669-C-A.
Other names: c.1202G>T, p.Gly401Val (NM_000244.4, NM_130800.3, NM_130801.3 and 4 more transcripts); c.1313G>T, p.Gly438Val (NM_001370251.2, NM_001407142.1, NM_001407143.1 and 1 more transcripts); c.1187G>T, p.Gly396Val (NM_001370260.2, NM_001370261.2, NM_130799.3 and 2 more transcripts); c.1082G>T, p.Gly361Val (NM_001370262.2, NM_001370263.2, NM_001407148.1 and 1 more transcripts); c.1208G>T, p.Gly403Val (NM_001407151.1); c.1186-381G>T (NM_001407152.1); c.1328G>T, p.Gly443Val (NM_001407150.1); short protein forms G361V, G396V, G401V, G403V, G438V, G443V.
Identifiers: ClinVar variation 4859905 (VCV004859905.1).
Genomic context (GRCh38, chr11:64,805,197, plus strand): 5'-AATCGCAGCAGGTGGGCGAAGCACTCAGGGTCCTGGAGGGCGGAACCTTGGCTCTGGGTG[C>A]CCTGGACGAGGGGGAAGGGAGGGCACAGATCAGTCTCTTACTCACCCCTTAGCAGAGGGC-3'
Protein context (NP_001357188.2, residues 386-406): GEERPGEQSQ[Gly396Val]TQSQGSALQD